The following is an entry in ClinVar:

NM_201253.3(CRB1):c.1989A>G (p.Ser663=)

Gene: CRB1 (crumbs cell polarity complex component 1; plus strand). Cytogenetic location: 1q31.3.
Variant type: single nucleotide variant.
Coding change: c.1989A>G on transcript NM_201253.3 (MANE Select); coding-DNA position 1989, A replaced by G.
Protein change: p.Ser663=; no amino-acid change (serine 663 retained).
Molecular consequence: synonymous variant. On other transcripts: non-coding transcript variant (2).
Genome position (GRCh38, 1-based): chr1:197,421,817, A>G. VCF-style: chr1-197421817-A-G. GRCh37 (hg19) VCF-style: chr1-197390947-A-G.
Other names: c.1653A>G, p.Ser551= (NM_001193640.2); c.1782A>G, p.Ser594= (NM_001257965.2); c.1989A>G, p.Ser663= (NM_001257966.2); c.1989A>G (NM_201253.2).
Identifiers: ClinVar variation 1139912 (VCV001139912.11), dbSNP rs557541175, ClinGen allele CA1312011.

ClinVar aggregate classification (germline): Likely benign. Review status: criteria provided, multiple submitters, no conflicts (2 of 4 stars). 3 submissions from 3 submitters: Likely benign (3). Last evaluated 2024-12-31.

Conditions:
CRB1-related disorder. Also called: CRB1-related condition; CRB1-related disorders.
Leber congenital amaurosis 8 (LCA8). Identifiers: Orphanet 65, MedGen C3151202, MONDO:0013453, OMIM 613835.
Retinitis pigmentosa 12 (RP12). Also called: RP WITH OR WITHOUT PRESERVED PARAARTERIOLE RETINAL PIGMENT EPITHELIUM; RETINITIS PIGMENTOSA WITH OR WITHOUT PARAARTERIOLAR PRESERVATION OF RETINAL PIGMENT EPITHELIUM; RP WITH OR WITHOUT PPRPE. Identifiers: Orphanet 791, MedGen C1838647, MONDO:0010818, OMIM 600105.

Allele frequency attached by ClinVar (database versions not stated): TOPMed below 0.00001; gnomAD 0.00001; gnomAD exomes 0.00002; ExAC 0.00003; 1000 Genomes Project 30x 0.00016; 1000 Genomes Project 0.00020.
gnomAD v4.1: 29 of 1,614,214 alleles (0.0018%); highest among the groups gnomAD compares: South Asian, 0.032%; no homozygotes.

Submissions (3):

PreventionGenetics, part of Exact Sciences
Classification: Likely benign for CRB1-related condition. Last evaluated: 2024-12-31. Review status: criteria provided, single submitter. Criteria: ACMG Guidelines, 2015. Collection method: clinical testing. Allele origin: germline.
Comment: This variant is classified as likely benign based on ACMG/AMP sequence variant interpretation guidelines (Richards et al. 2015 PMID: 25741868, with internal and published modifications).

Blueprint Genetics
Classification: Likely benign. Last evaluated: 2024-11-26. Review status: criteria provided, single submitter. Criteria: ACMG Guidelines, 2015. Collection method: clinical testing. Allele origin: germline.

Labcorp Genetics (formerly Invitae), Labcorp
Classification: Likely benign for Leber congenital amaurosis 8; Retinitis pigmentosa 12. Last evaluated: 2024-01-05. Review status: criteria provided, single submitter. Criteria: Invitae Variant Classification Sherloc (09022015). Collection method: clinical testing. Allele origin: germline.